The following is an entry in ClinVar:

NM_001029883.3(PCARE):c.955G>A (p.Glu319Lys)

Gene: PCARE (photoreceptor cilium actin regulator; minus strand). Cytogenetic location: 2p23.2.
Variant type: single nucleotide variant.
Coding change: c.955G>A on transcript NM_001029883.3 (MANE Select); coding-DNA position 955, G replaced by A.
Protein change: p.Glu319Lys; replaces glutamic acid 319 with lysine.
Molecular consequence: missense variant.
Genome position (GRCh38, 1-based): chr2:29,073,307, C>T on the plus strand (G>A on the coding strand, the complement: PCARE is on the minus strand). VCF-style: chr2-29073307-C-T. GRCh37 (hg19) VCF-style: chr2-29296173-C-T.
Other names: short protein forms E319K.
Identifiers: ClinVar variation 1020208 (VCV001020208.8), dbSNP rs1437883654, ClinGen allele CA346481204.

ClinVar aggregate classification (germline): Uncertain significance (1 of 4 stars; one submission).

Allele frequency attached by ClinVar (database versions not stated): gnomAD exomes below 0.00001; TOPMed below 0.00001.
gnomAD v4.1: 2 of 1,614,188 alleles (0.00012%); highest among the groups gnomAD compares: East Asian, 0.0045%; no homozygotes.

Submission:

Labcorp Genetics (formerly Invitae), Labcorp
Classification: Uncertain significance. Last evaluated: 2024-10-24. Review status: criteria provided, single submitter. Criteria: Invitae Variant Classification Sherloc (09022015). Collection method: clinical testing. Allele origin: germline.
Comment: This sequence change replaces glutamic acid, which is acidic and polar, with lysine, which is basic and polar, at codon 319 of the PCARE protein (p.Glu319Lys). This variant is present in population databases (no rsID available, gnomAD 0.006%). This variant has not been reported in the literature in individuals affected with PCARE-related conditions. ClinVar contains an entry for this variant (Variation ID: 1020208). An algorithm developed to predict the effect of missense changes on protein structure and function (PolyPhen-2) suggests that this variant is likely to be disruptive. In summary, the available evidence is currently insufficient to determine the role of this variant in disease. Therefore, it has been classified as a Variant of Uncertain Significance.